The following is an entry in ClinVar:

NM_001999.4(FBN2):c.1612G>A (p.Glu538Lys)

Gene: FBN2 (fibrillin 2; minus strand). Cytogenetic location: 5q23.3.
Variant type: single nucleotide variant.
Coding change: c.1612G>A on transcript NM_001999.4 (MANE Select); coding-DNA position 1612, G replaced by A.
Protein change: p.Glu538Lys; replaces glutamic acid 538 with lysine.
Molecular consequence: missense variant.
Genome position (GRCh38, 1-based): chr5:128,378,882, C>T on the plus strand (G>A on the coding strand, the complement: FBN2 is on the minus strand). VCF-style: chr5-128378882-C-T. GRCh37 (hg19) VCF-style: chr5-127714575-C-T.
Other names: short protein forms E538K.
Identifiers: ClinVar variation 566126 (VCV000566126.9), dbSNP rs1561427124, ClinGen allele CA360744074.

ClinVar aggregate classification (germline): Uncertain significance (1 of 4 stars; one submission).

Conditions:
Congenital contractural arachnodactyly (CCA). Also called: BEALS SYNDROME; Arthrogryposis, distal, type 9; Beals-Hecht syndrome. Identifiers: Orphanet 115, MedGen C0220668, MONDO:0007363, OMIM 121050.

Submission:

Labcorp Genetics (formerly Invitae), Labcorp
Classification: Uncertain significance for Congenital contractural arachnodactyly. Last evaluated: 2018-04-05. Review status: criteria provided, single submitter. Criteria: Invitae Variant Classification Sherloc (09022015). Collection method: clinical testing. Allele origin: germline.
Comment: In summary, the available evidence is currently insufficient to determine the role of this variant in disease. Therefore, it has been classified as a Variant of Uncertain Significance. Algorithms developed to predict the effect of missense changes on protein structure and function do not agree on the potential impact of this missense change (SIFT: "Deleterious"; PolyPhen-2: "Probably Damaging"; Align-GVGD: "Class C0"). This variant has not been reported in the literature in individuals with FBN2-related disease. This variant is not present in population databases (ExAC no frequency). This sequence change replaces glutamic acid with lysine at codon 538 of the FBN2 protein (p.Glu538Lys). The glutamic acid residue is highly conserved and there is a small physicochemical difference between glutamic acid and lysine.